The following is an entry in ClinVar:

NM_001664.4(RHOA):c.211C>T (p.Pro71Ser)

Gene: RHOA (ras homolog family member A; minus strand). Cytogenetic location: 3p21.31.
Variant type: single nucleotide variant.
Coding change: c.211C>T on transcript NM_001664.4 (MANE Select); coding-DNA position 211, C replaced by T.
Protein change: p.Pro71Ser; replaces proline 71 with serine.
Molecular consequence: missense variant. On other transcripts: 5 prime UTR variant (1), intron variant (2).
Genome position (GRCh38, 1-based): chr3:49,368,494, G>A on the plus strand (C>T on the coding strand, the complement: RHOA is on the minus strand). VCF-style: chr3-49368494-G-A. GRCh37 (hg19) VCF-style: chr3-49405927-G-A.
Other names: c.211C>T (NM_001664.2); c.211C>T, p.Pro71Ser (NM_001313941.2, NM_001313943.2); c.151C>T, p.Pro51Ser (NM_001313944.2); c.-33C>T (NM_001313945.2); c.156+6940C>T (NM_001313946.2); c.157-5868C>T (NM_001313947.2); short protein forms P71S, P51S.
Identifiers: ClinVar variation 801330 (VCV000801330.6), dbSNP rs1575647025, ClinGen allele CA352786720.

ClinVar aggregate classification (germline): Pathogenic. Review status: criteria provided, single submitter (1 of 4 stars). 2 submissions from 2 submitters: Pathogenic (1). 1 of the submissions does not count toward it. Last evaluated 2026-05-21.

Conditions:
Ectodermal dysplasia with facial dysmorphism and acral, ocular, and brain anomalies. Also called: ECTODERMAL DYSPLASIA WITH FACIAL DYSMORPHISM AND ACRAL, OCULAR, AND BRAIN ANOMALIES, SOMATIC MOSAIC. Identifiers: MedGen C5231477, MONDO:0032884, OMIM 618727.

Submissions (2):

Ambry Genetics
Classification: Pathogenic. Last evaluated: 2026-05-21. Review status: criteria provided, single submitter. Criteria: Ambry Variant Classification Scheme 2023. Collection method: clinical testing. Allele origin: germline.
Comment: The c.211C>T (p.P71S) alteration is located in exon 3 (coding exon 2) of the RHOA gene. This alteration results from a C to T substitution at nucleotide position 211, causing the proline (P) at amino acid position 71 to be replaced by a serine (S). This variant was not reported in population-based cohorts in the Genome Aggregation Database (gnomAD). This variant was determined to be a de novo mosaic alteration at least one individual with features consistent with RHOA-related neuroectodermal syndrome (Vabres, 2019). This amino acid position is highly conserved in available vertebrate species. This missense variant is located in a region that has a low rate of benign missense variation (Lek, 2016; Firth, 2009). Based on internal structural analysis, this variant is moderately destabilizing to the local structure. The variant is anticipated to disrupt a region of known function (Berg, 2010; Shimizu, 2018; Chen, 2022). The in silico prediction for this alteration is inconclusive. Based on the available evidence, this alteration is classified as pathogenic.

OMIM
Classification: Pathogenic for ECTODERMAL DYSPLASIA WITH FACIAL DYSMORPHISM AND ACRAL, OCULAR, AND BRAIN ANOMALIES, SOMATIC MOSAIC. Last evaluated: 2020-01-29. Review status: no assertion criteria provided. Collection method: literature only. Allele origin: somatic. Not counted in ClinVar's aggregate classification.

Literature cited by the submitters: PubMed 20709748 (cited by Ambry Genetics); PubMed 30190425 (cited by Ambry Genetics); PubMed 31570889 (cited by Ambry Genetics and OMIM); PubMed 36555100 (cited by Ambry Genetics).